The following is an entry in ClinVar:

NM_006031.6(PCNT):c.8519G>C (p.Ser2840Thr)

Gene: PCNT (pericentrin; plus strand). Cytogenetic location: 21q22.3.
Variant type: single nucleotide variant.
Coding change: c.8519G>C on transcript NM_006031.6 (MANE Select); coding-DNA position 8519, G replaced by C.
Protein change: p.Ser2840Thr; replaces serine 2840 with threonine.
Molecular consequence: missense variant. On other transcripts: intron variant (1).
Genome position (GRCh38, 1-based): chr21:46,431,983, G>C. VCF-style: chr21-46431983-G-C. GRCh37 (hg19) VCF-style: chr21-47851897-G-C.
Other names: c.8160+5G>C (NM_001315529.2); short protein forms S2840T.
Identifiers: ClinVar variation 3772266 (VCV003772266.13).

ClinVar aggregate classification (germline): Uncertain significance (1 of 4 stars; one submission).

Submission:

CeGaT Center for Human Genetics Tuebingen
Classification: Uncertain significance. Last evaluated: 2025-01-01. Review status: criteria provided, single submitter. Criteria: CeGaT Center For Human Genetics Tuebingen Variant Classification Criteria Version 2. Collection method: clinical testing. Allele origin: germline. Affected: yes. Observed: 1 variant allele.
Comment: PCNT: PM2, PP3